The following is an entry in ClinVar:

NM_001267550.2(TTN):c.48312+2T>C

Genes: TTN-AS1 (TTN antisense RNA 1; plus strand), TTN (titin; minus strand). Cytogenetic location: 2q31.2.
Variant type: single nucleotide variant.
Coding change: c.48312+2T>C on transcript NM_001267550.2 (MANE Select); the canonical splice donor site of the intron after coding-DNA position 48312, T replaced by C.
Molecular consequence: splice donor variant.
Genome position (GRCh38, 1-based): chr2:178,616,477, A>G on the plus strand (T>C on the coding strand, the complement: TTN is on the minus strand). VCF-style: chr2-178616477-A-G. GRCh37 (hg19) VCF-style: chr2-179481204-A-G.
Other names: c.21117+2T>C (NM_003319.4); c.21693+2T>C (NM_133437.4); c.21492+2T>C (NM_133432.3); c.40608+2T>C (NM_133378.4); c.43389+2T>C (NM_001256850.1).
Identifiers: ClinVar variation 938052 (VCV000938052.10), dbSNP rs2057367803, ClinGen allele CA349611321.
Genomic context (GRCh38, chr2:178,616,477, plus strand): 5'-AACCTTCTGGGATTTCCCCTACTCTCATTTTTGGCATTGATGCAGTGCTGCTCAAAACTC[A>G]CTTTAGTCCATGTTTTCCGGCTGACTTCTCGTTTTTCAACAACGTATCCAGTTAACGGAC-3'

ClinVar aggregate classification (germline): Likely pathogenic (1 of 4 stars; one submission).

Conditions:
Dilated cardiomyopathy 1G (CMD1G). Identifiers: Orphanet 154, MedGen C1858763, MONDO:0011400, OMIM 604145.
Autosomal recessive limb-girdle muscular dystrophy type 2J (LGMDR10). Also called: Limb-girdle muscular dystrophy, type 2J; MUSCULAR DYSTROPHY, LIMB-GIRDLE, AUTOSOMAL RECESSIVE 10. Identifiers: Orphanet 140922, MedGen C1837342, MONDO:0012127, OMIM 608807.

Submission:

Labcorp Genetics (formerly Invitae), Labcorp
Classification: Likely pathogenic for Dilated cardiomyopathy 1G; Autosomal recessive limb-girdle muscular dystrophy type 2J. Last evaluated: 2022-09-25. Review status: criteria provided, single submitter. Criteria: Invitae Variant Classification Sherloc (09022015). Collection method: clinical testing. Allele origin: germline.
Comment: In summary, the currently available evidence indicates that the variant is pathogenic, but additional data are needed to prove that conclusively. Therefore, this variant has been classified as Likely Pathogenic. This variant is located in the A band of TTN (PMID: 25589632). Truncating variants in this region are significantly overrepresented in patients affected with dilated cardiomyopathy (PMID: 25589632). Truncating variants in this region have also been reported in individuals affected with autosomal recessive centronuclear myopathy (PMID: 23975875). Algorithms developed to predict the effect of sequence changes on RNA splicing suggest that this variant may disrupt the consensus splice site. ClinVar contains an entry for this variant (Variation ID: 938052). Disruption of this splice site has been observed in individual(s) with clinical features of muscular dystrophy (PMID: 28877744; Invitae). This variant is not present in population databases (gnomAD no frequency). This sequence change affects a donor splice site in intron 257 of the TTN gene. It is expected to disrupt RNA splicing and likely results in a truncated or disrupted TTN protein.

Literature cited by the submitters: PubMed 25589632; PubMed 23975875; PubMed 28877744.